The following is an entry in ClinVar:

NM_001018115.3(FANCD2):c.695+8_695+9dup

Genes: FANCD2 (FA complementation group D2; plus strand), LOC107303338 (3p25 FANCD2 Alu-mediated recombination region; plus strand). Cytogenetic location: 3p25.3.
Variant type: Duplication.
Coding change: c.695+8_695+9dup on transcript NM_001018115.3 (MANE Select); bases 8 to 9 of the intron after coding-DNA position 695, 2 bases duplicated (AA; older notation c.695+8_695+9dupAA).
Molecular consequence: intron variant.
Genome position (GRCh38, 1-based): chr3:10,039,853-10,039,854, AA duplicated; duplicating any 2 consecutive bases within chr3:10,039,852-10,039,854 gives the same sequence; the c. name uses the placement nearest the transcript's 3' end. VCF-style (leftmost placement, unchanged base first): chr3-10039851-T-TAA. GRCh37 (hg19) VCF-style: chr3-10081535-T-TAA.
Other names: c.695+8_695+9dup (NM_001319984.2, NM_001374253.1, NM_033084.6 and 2 more transcripts); c.695+8_695+9dupAA (NM_001018115.2).
Identifiers: ClinVar variation 2911922 (VCV002911922.5), dbSNP rs1184887168, ClinGen allele CA540891864.

ClinVar aggregate classification (germline): Likely benign. Review status: criteria provided, single submitter (1 of 4 stars). 2 submissions from 2 submitters: Likely benign (1). 1 of the submissions does not count toward it. Last evaluated 2023-01-26.

Conditions:
Fanconi anemia (FA). Also called: Fanconi's anemia. Identifiers: Orphanet 84, MedGen C0015625, MeSH D005199, MONDO:0019391.
FANCD2-related disorder. Also called: FANCD2-related condition.

Submissions (2):

Labcorp Genetics (formerly Invitae), Labcorp
Classification: Likely benign for Fanconi anemia. Last evaluated: 2023-01-26. Review status: criteria provided, single submitter. Criteria: Invitae Variant Classification Sherloc (09022015). Collection method: clinical testing. Allele origin: germline.

PreventionGenetics, part of Exact Sciences
Classification: Likely benign for FANCD2-related condition. Last evaluated: 2020-10-14. Review status: no assertion criteria provided. Collection method: clinical testing. Allele origin: germline. Not counted in ClinVar's aggregate classification.
Comment: This variant is classified as likely benign based on ACMG/AMP sequence variant interpretation guidelines (Richards et al. 2015 PMID: 25741868, with internal and published modifications).